The following is an entry in ClinVar:

NM_000124.4(ERCC6):c.3694del (p.Gln1232fs)

Gene: ERCC6 (ERCC excision repair 6, chromatin remodeling factor; minus strand). Cytogenetic location: 10q11.23.
Variant type: Deletion.
Coding change: c.3694del on transcript NM_000124.4 (MANE Select); coding-DNA position 3694, one base deleted (C; older notation c.3694delC).
Protein change: p.Gln1232fs; shifts the reading frame from glutamine 1232.
Molecular consequence: frameshift variant.
Genome position (GRCh38, 1-based): chr10:49,470,266, G deleted on the plus strand (C on the coding strand, the reverse complement: ERCC6 is on the minus strand); the first of 2 consecutive G bases (chr10:49,470,266-49,470,267); deleting either gives the same sequence. VCF-style (leftmost placement, unchanged base first): chr10-49470265-TG-T. GRCh37 (hg19) VCF-style: chr10-50678311-TG-T.
Other names: c.3694del, p.Gln1232fs (NM_001346440.2); short protein forms Q1232fs.
Identifiers: ClinVar variation 3773849 (VCV003773849.2).

ClinVar aggregate classification (germline): Pathogenic/Likely pathogenic. Review status: criteria provided, multiple submitters, no conflicts (2 of 4 stars). 2 submissions from 2 submitters: Pathogenic (1); Likely pathogenic (1). Last evaluated 2024-10-09.

Conditions:
Cockayne spectrum with or without cerebrooculofacioskeletal syndrome. Identifiers: MedGen CN315928, MONDO:0100506.
ERCC6-related disorder. Also called: ERCC6-related disorders; ERCC6-related condition. Identifiers: MedGen CN239385.

Submissions (2):

Myriad Genetics, Inc.
Classification: Pathogenic for Cockayne spectrum with or without cerebrooculofacioskeletal syndrome. Last evaluated: 2024-10-09. Review status: criteria provided, single submitter. Criteria: Myriad Autosomal Dominant, Autosomal Recessive and X-Linked Classification Criteria (2023). Collection method: clinical testing. Allele origin: unknown.
Comment: NM_000124.2(ERCC6):c.3694delC(Q1232Rfs*35) is expected to be pathogenic in the context of ERCC6-related disorders. This variant is predicted to lead to an abnormal or absent protein product due to the creation of a premature termination codon in ERCC6, a gene where loss-of-function variants are known to be pathogenic. Please note: this variant was assessed in the context of healthy population screening.

Rady Children's Institute for Genomic Medicine, Rady Children's Hospital San Diego
Classification: Likely pathogenic for ERCC6-related disorders. Last evaluated: 2023-10-09. Review status: criteria provided, single submitter. Criteria: ACMG Guidelines, 2015. Collection method: clinical testing. Allele origin: germline. Affected: yes.
Comment: This frameshifting variant in exon 18 of 21 is predicted to result in loss of normal protein function through either protein truncation or nonsense-mediated mRNA decay. This variant has not been previously reported or functionally characterized in the literature to our knowledge. The c.3694del (p.Gln1232ArgfsTer35) variant is absent from the gnomAD population database and thus is presumed to be rare. Based on the available evidence, c.3694del (p.Gln1232ArgfsTer35) is classified as Likely Pathogenic.